The following is an entry in ClinVar:

NM_006440.5(TXNRD2):c.739ATG[1] (p.Met248del)

Gene: TXNRD2 (thioredoxin reductase 2; minus strand). Cytogenetic location: 22q11.21.
Variant type: Microsatellite.
Coding change: c.739ATG[1] on transcript NM_006440.5 (MANE Select); one copy of the 3-base unit ATG starting at c.739; the reference has two copies in a row; one copy, 3 bases deleted.
Protein change: p.Met248del; deletes methionine 248.
Molecular consequence: inframe deletion. On other transcripts: inframe indel (2), non-coding transcript variant (1).
Genome position (GRCh38, 1-based): chr22:19,898,069-19,898,071, CAT deleted on the plus strand (ATG on the coding strand, the reverse complement: TXNRD2 is on the minus strand); deleting any 3 consecutive bases within chr22:19,898,069-19,898,074 gives the same sequence; the position shown is the placement nearest the transcript's 3' end. VCF-style (leftmost placement, unchanged base first): chr22-19898068-GCAT-G. GRCh37 (hg19) VCF-style: chr22-19885591-GCAT-G.
Other names: c.739ATG[1], p.Met248del (NM_001282512.3); c.736ATG[1], p.Met247del (NM_001352300.2); c.649ATG[1], p.Met218del (NM_001352301.2); c.451ATG[1], p.Met152del (NM_001352302.2); c.643ATG[1], p.Met216del (NM_001352303.2); c.739_741ATG[1], p.Met248del (NM_006440.3); c.742_744delATG (NM_006440.3); short protein forms M216del, M218del, M247del, M152del, M248del.
Identifiers: ClinVar variation 2497323 (VCV002497323.2), dbSNP rs2517322771, ClinGen allele CA2580615247.

ClinVar aggregate classification (germline): Uncertain significance (1 of 4 stars; one submission).

Conditions:
Cardiovascular phenotype. Identifiers: MedGen CN230736.

Submission:

Ambry Genetics
Classification: Uncertain significance for Cardiovascular phenotype. Last evaluated: 2023-02-06. Review status: criteria provided, single submitter. Criteria: Ambry Variant Classification Scheme 2023. Collection method: clinical testing. Allele origin: germline.
Comment: The c.742_744delATG variant (also known as p.M248del) is located in coding exon 10 of the TXNRD2 gene. This variant results from an in-frame ATG deletion at nucleotide positions 742 to 744. This results in the in-frame deletion of a methionine at codon 248. This amino acid position is poorly conserved in available vertebrate species. In addition, this alteration is predicted to be deleterious by in silico analysis (Choi Y et al. PLoS ONE. 2012; 7(10):e46688). The evidence for this gene-disease relationship is limited; therefore, the clinical significance of this alteration is unclear.